The following is an entry in ClinVar:

NM_002386.4(MC1R):c.415G>A (p.Ala139Thr)

Gene: MC1R (melanocortin 1 receptor; plus strand). Cytogenetic location: 16q24.3.
Variant type: single nucleotide variant.
Coding change: c.415G>A on transcript NM_002386.4 (MANE Select); coding-DNA position 415, G replaced by A.
Protein change: p.Ala139Thr; replaces alanine 139 with threonine.
Molecular consequence: missense variant.
Genome position (GRCh38, 1-based): chr16:89,919,673, G>A. VCF-style: chr16-89919673-G-A. GRCh37 (hg19) VCF-style: chr16-89986081-G-A.
Other names: short protein forms A139T.
Identifiers: ClinVar variation 1510908 (VCV001510908.8), dbSNP rs765120108, ClinGen allele CA8255581.

ClinVar aggregate classification (germline): Uncertain significance (1 of 4 stars; one submission).

Conditions:
Melanoma, cutaneous malignant, susceptibility to, 5. Also called: Cutaneous malignant melanoma 5. Identifiers: Orphanet 618, MedGen C2751295, MONDO:0013133, OMIM 613099.

Allele frequency attached by ClinVar (database versions not stated): gnomAD 0.00001; TOPMed 0.00001.
gnomAD v4.1: 39 of 1,605,892 alleles (0.0024%); highest among the groups gnomAD compares: Non-Finnish European, 0.003%; no homozygotes.

Submission:

Labcorp Genetics (formerly Invitae), Labcorp
Classification: Uncertain significance for Melanoma, cutaneous malignant, susceptibility to, 5. Last evaluated: 2024-04-09. Review status: criteria provided, single submitter. Criteria: Invitae Variant Classification Sherloc (09022015). Collection method: clinical testing. Allele origin: germline.
Comment: This sequence change replaces alanine, which is neutral and non-polar, with threonine, which is neutral and polar, at codon 139 of the MC1R protein (p.Ala139Thr). This variant is present in population databases (rs765120108, gnomAD 0.003%). This missense change has been observed in individual(s) with melanoma (PMID: 19585506, 24982914). ClinVar contains an entry for this variant (Variation ID: 1510908). Advanced modeling of protein sequence and biophysical properties (such as structural, functional, and spatial information, amino acid conservation, physicochemical variation, residue mobility, and thermodynamic stability) performed at Invitae indicates that this missense variant is not expected to disrupt MC1R protein function with a negative predictive value of 80%. In summary, the available evidence is currently insufficient to determine the role of this variant in disease. Therefore, it has been classified as a Variant of Uncertain Significance.

Literature cited by the submitters: PubMed 19585506; PubMed 24982914.